The following is an entry in ClinVar:

NM_213599.3(ANO5):c.1180+5G>C

Gene: ANO5 (anoctamin 5; plus strand). Cytogenetic location: 11p14.3.
Variant type: single nucleotide variant.
Coding change: c.1180+5G>C on transcript NM_213599.3 (MANE Select); 5 bases into the intron after coding-DNA position 1180, G replaced by C.
Molecular consequence: intron variant.
Genome position (GRCh38, 1-based): chr11:22,251,016, G>C. VCF-style: chr11-22251016-G-C. GRCh37 (hg19) VCF-style: chr11-22272562-G-C.
Other names: c.1102+5G>C (NM_001441294.1); c.1138+5G>C (NM_001410963.1, NM_001441300.1); c.1024+5G>C (NM_001441298.1); c.1177+5G>C (NM_001142649.2); c.1135+5G>C (NM_001410964.1, NM_001441301.1); c.1021+5G>C (NM_001441299.1); c.1087+5G>C (NM_001441296.1, NM_001441302.1); c.1060+5G>C (NM_001441297.1); and 1 more.
Identifiers: ClinVar variation 4786046 (VCV004786046.1).

ClinVar aggregate classification (germline): Uncertain significance (1 of 4 stars; one submission).

Conditions:
Gnathodiaphyseal dysplasia (GDD). Also called: GNATHODIAPHYSEAL SCLEROSIS; OSTEOGENESIS IMPERFECTA WITH UNUSUAL SKELETAL LESIONS. Identifiers: Orphanet 53697, MedGen C1833736, MONDO:0008151, OMIM 166260.
Autosomal recessive limb-girdle muscular dystrophy type 2L (LGMDR12). Also called: Limb-girdle muscular dystrophy, type 2L; MUSCULAR DYSTROPHY, LIMB-GIRDLE, AUTOSOMAL RECESSIVE 12; Limb-Girdle Muscular Dystrophy R12 Anoctamin-5-Related (LGMD-R12). Identifiers: Orphanet 206549, MedGen C1969785, MONDO:0012652, OMIM 611307.

Submission:

Labcorp Genetics (formerly Invitae), Labcorp
Classification: Uncertain significance for Autosomal recessive limb-girdle muscular dystrophy type 2L; Gnathodiaphyseal dysplasia. Last evaluated: 2025-09-03. Review status: criteria provided, single submitter. Criteria: Invitae Variant Classification Sherloc (09022015). Collection method: clinical testing. Allele origin: germline.
Comment: This sequence change falls in intron 12 of the ANO5 gene. It does not directly change the encoded amino acid sequence of the ANO5 protein. It affects a nucleotide within the consensus splice site. This variant is not present in population databases (gnomAD no frequency). This variant has not been reported in the literature in individuals affected with ANO5-related conditions. Variants that disrupt the consensus splice site are a relatively common cause of aberrant splicing (PMID: 17576681, 9536098). Algorithms developed to predict the effect of sequence changes on RNA splicing suggest that this variant may disrupt the consensus splice site. In summary, the available evidence is currently insufficient to determine the role of this variant in disease. Therefore, it has been classified as a Variant of Uncertain Significance.

Literature cited by the submitters: PubMed 17576681; PubMed 9536098.